The following is an entry in ClinVar:

NM_000256.3(MYBPC3):c.3358C>T (p.Arg1120Cys)

Gene: MYBPC3 (myosin binding protein C3; minus strand). Cytogenetic location: 11p11.2.
Variant type: single nucleotide variant.
Coding change: c.3358C>T on transcript NM_000256.3 (MANE Select); coding-DNA position 3358, C replaced by T.
Protein change: p.Arg1120Cys; replaces arginine 1120 with cysteine.
Molecular consequence: missense variant.
Genome position (GRCh38, 1-based): chr11:47,332,946, G>A on the plus strand (C>T on the coding strand, the complement: MYBPC3 is on the minus strand). VCF-style: chr11-47332946-G-A. GRCh37 (hg19) VCF-style: chr11-47354497-G-A.
Other names: c.3358C>T, p.Arg1120Cys (LRG_386t1); short protein forms R1120C.
Identifiers: ClinVar variation 454326 (VCV000454326.29), dbSNP rs368721523, ClinGen allele CA053677.
Genomic context (GRCh38, chr11:47,332,946, plus strand): 5'-AGACGCGGAAGTAGTAGCCATTGCCAATGATGAGCTCTGGCACCACGCAGTGGGTGCGGC[G>A]GTAATGCTCCAAGACGGTGAACCACTCCTGGGGGCAGGGAGGGAGGGGAGGCATCTCTGG-3'
Protein context (NP_000247.2, residues 1110-1130): MEWFTVLEHY[Arg1120Cys]RTHCVVPELI

ClinVar aggregate classification (germline): Uncertain significance. Review status: criteria provided, multiple submitters, no conflicts (2 of 4 stars). 11 submissions from 11 submitters: Uncertain significance (9). 2 of the submissions do not count toward it. Last evaluated 2026-01-27.

Conditions:
Cardiovascular phenotype. Identifiers: MedGen CN230736.
Hypertrophic cardiomyopathy 4. Also called: Familial hypertrophic cardiomyopathy 4. Identifiers: MedGen C1861862, MONDO:0007268, OMIM 115197.
Left ventricular noncompaction 10 (LVNC10). Identifiers: Orphanet 154, Orphanet 54260, MedGen C3715165, MONDO:0014163, OMIM 615396.
Cardiomyopathy (CMYO). Also called: Cardiomyopathies. Identifiers: Orphanet 167848, MedGen C0878544, MONDO:0004994, HP:0001638. Inheritance: Various modes of inheritance.
Hypertrophic cardiomyopathy. Also called: HYPERTROPHIC MYOCARDIOPATHY. Identifiers: Orphanet 217569, MedGen C0007194, MeSH D002312, MONDO:0005045, HP:0001639.

Allele frequency attached by ClinVar (database versions not stated): gnomAD 0.00001; gnomAD exomes 0.00002 and 0.00003; TOPMed 0.00002; ExAC 0.00003; ESP Exome Variant Server 0.00008.
gnomAD v4.1: 35 of 1,610,616 alleles (0.0022%); highest among the groups gnomAD compares: South Asian, 0.01%; no homozygotes.

Submissions (11):

Labcorp Genetics (formerly Invitae), Labcorp
Classification: Uncertain significance for Hypertrophic cardiomyopathy. Last evaluated: 2026-01-27. Review status: criteria provided, single submitter. Criteria: Invitae Variant Classification Sherloc (09022015). Collection method: clinical testing. Allele origin: germline.
Comment: This sequence change replaces arginine, which is basic and polar, with cysteine, which is neutral and slightly polar, at codon 1120 of the MYBPC3 protein (p.Arg1120Cys). This variant is present in population databases (rs368721523, gnomAD 0.01%). This missense change has been observed in individuals with documented episodes of atrioventricular block (PMID: 30528150, 31514951). ClinVar contains an entry for this variant (Variation ID: 454326). An algorithm developed to predict the effect of missense changes on protein structure and function (PolyPhen-2) suggests that this variant is likely to be disruptive. In summary, the available evidence is currently insufficient to determine the role of this variant in disease. Therefore, it has been classified as a Variant of Uncertain Significance.

All of Us Research Program, National Institutes of Health
Classification: Uncertain significance for Hypertrophic cardiomyopathy. Last evaluated: 2024-06-09. Review status: criteria provided, single submitter. Criteria: ACMG Guidelines, 2015. Collection method: clinical testing. Allele origin: germline. Inheritance: Autosomal dominant inheritance. Observed: 10 variant alleles, 10 heterozygotes.
Comment: This missense variant replaces arginine with cysteine at codon 1120 of the MYBPC3 protein. Computational prediction suggests that this variant may not impact protein structure and function (internally defined REVEL score threshold <= 0.5, PMID: 27666373). To our knowledge, functional studies have not been reported for this variant. This variant has been reported in an individual affected with hypertrophic cardiomyopathy (PMID: 30528150) and in an individual affected with dilated cardiomyopathy (PMID: 31514951). This variant has been identified in 7/241840 chromosomes in the general population by the Genome Aggregation Database (gnomAD). The available evidence is insufficient to determine the role of this variant in disease conclusively. Therefore, this variant is classified as a Variant of Uncertain Significance.

This study involves interpretation of variants in research participants for the purpose of population health screening. Participant phenotype was not available at the time of variant classification. Additional details can be found in publication PMID: 35346344, PMCID: PMC8962531

Color Diagnostics, LLC DBA Color Health
Classification: Uncertain significance for Cardiomyopathy. Last evaluated: 2024-05-22. Review status: criteria provided, single submitter. Criteria: ACMG Guidelines, 2015. Collection method: clinical testing. Allele origin: germline.
Comment: This missense variant replaces arginine with cysteine at codon 1120 of the MYBPC3 protein. Computational prediction tools indicate that this variant has a neutral impact on protein structure and function. To our knowledge, functional studies have not been reported for this variant. This variant has been reported in two individuals affected with hypertrophic cardiomyopathy (PMID: 30528150, 31513939) and in one individual affected with dilated cardiomyopathy (PMID: 31514951). This variant has been identified in 7/241840 chromosomes in the general population by the Genome Aggregation Database (gnomAD). The available evidence is insufficient to determine the role of this variant in disease conclusively. Therefore, this variant is classified as a Variant of Uncertain Significance.

GeneDx
Classification: Uncertain significance. Last evaluated: 2024-05-14. Review status: criteria provided, single submitter. Criteria: GeneDx Variant Classification Process June 2021. Collection method: clinical testing. Allele origin: germline. Affected: yes.
Comment: In silico analysis supports that this missense variant has a deleterious effect on protein structure/function; Has been reported in association with HCM in published literature (PMID: 31513939, 31514951, 30528150); This variant is associated with the following publications: (PMID: 31514951, 30528150, 31513939)

Revvity Omics, Revvity
Classification: Uncertain significance. Last evaluated: 2023-12-27. Review status: criteria provided, single submitter. Criteria: ACMG Guidelines, 2015. Collection method: clinical testing. Allele origin: germline.

Fulgent Genetics
Classification: Uncertain significance for Hypertrophic cardiomyopathy 4; Left ventricular noncompaction 10. Last evaluated: 2021-09-07. Review status: criteria provided, single submitter. Criteria: ACMG Guidelines, 2015. Collection method: clinical testing. Allele origin: unknown.

Ambry Genetics
Classification: Uncertain significance for Cardiovascular phenotype. Last evaluated: 2018-11-08. Review status: criteria provided, single submitter. Criteria: Ambry Variant Classification Scheme 2023. Collection method: clinical testing. Allele origin: germline.
Comment: The p.R1120C variant (also known as c.3358C>T), located in coding exon 31 of the MYBPC3 gene, results from a C to T substitution at nucleotide position 3358. The arginine at codon 1120 is replaced by cysteine, an amino acid with highly dissimilar properties. This amino acid position is well conserved in available vertebrate species. In addition, this alteration is predicted to be deleterious by in silico analysis. Since supporting evidence is limited at this time, the clinical significance of this alteration remains unclear.

Center for Human Genetics, University of Leuven
Classification: Uncertain significance for Hypertrophic cardiomyopathy. Last evaluated: 2018-10-31. Review status: criteria provided, single submitter. Criteria: ACMG Guidelines, 2015. Collection method: clinical testing. Allele origin: germline. Affected: yes.

Clinical Genetics DNA and cytogenetics Diagnostics Lab, Erasmus MC, Erasmus Medical Center
Classification: Uncertain significance for Hypertrophic cardiomyopathy 4. Last evaluated: 2015-09-21. Review status: criteria provided, single submitter. Criteria: ACGS Guidelines, 2013. Collection method: clinical testing. Allele origin: germline. Affected: yes. Study: VKGL Data-share Consensus.

Clinical Genetics, Academic Medical Center
Classification: Uncertain significance. Review status: no assertion criteria provided. Collection method: clinical testing. Allele origin: germline. Affected: yes. Study: VKGL Data-share Consensus. Not counted in ClinVar's aggregate classification.

Diagnostic Laboratory, Department of Genetics, University Medical Center Groningen
Classification: Uncertain significance for Hypertrophic cardiomyopathy 4. Review status: no assertion criteria provided. Collection method: clinical testing. Allele origin: germline. Affected: yes. Study: VKGL Data-share Consensus. Not counted in ClinVar's aggregate classification.

Literature cited by the submitters: PubMed 30528150 (cited by 3 submitters); PubMed 31514951 (cited by 3 submitters); PubMed 31513939 (cited by Color Diagnostics, LLC DBA Color Health).